The following is an entry in ClinVar:

ClinVar aggregate classification (germline): Likely benign (1 of 4 stars; one submission).

Conditions:
DONSON-related disorder. Also called: DONSON-related condition.

gnomAD v4.1: 51 of 1,292,656 alleles (0.0039%); highest among the groups gnomAD compares: Non-Finnish European, 0.0046%; no homozygotes.

Submission:

PreventionGenetics, part of Exact Sciences
Classification: Likely benign for DONSON-related condition. Last evaluated: 2024-12-19. Review status: criteria provided, single submitter. Criteria: ACMG Guidelines, 2015. Collection method: clinical testing. Allele origin: germline.
Comment: This variant is classified as likely benign based on ACMG/AMP sequence variant interpretation guidelines (Richards et al. 2015 PMID: 25741868, with internal and published modifications).

NM_017613.4(DONSON):c.288G>T (p.Gly96=)

Gene: DONSON (DNA replication fork stabilization factor DONSON; minus strand). Cytogenetic location: 21q22.11.
Variant type: single nucleotide variant.
Coding change: c.288G>T on transcript NM_017613.4 (MANE Select); coding-DNA position 288, G replaced by T.
Protein change: p.Gly96=; no amino-acid change (glycine 96 retained).
Molecular consequence: synonymous variant.
Genome position (GRCh38, 1-based): chr21:33,588,354, C>A on the plus strand (G>T on the coding strand, the complement: DONSON is on the minus strand). VCF-style: chr21-33588354-C-A. GRCh37 (hg19) VCF-style: chr21-34960660-C-A.
Identifiers: ClinVar variation 4980253 (VCV004980253.1).